The following is an entry in ClinVar:

ClinVar aggregate classification (germline): Likely benign. Review status: criteria provided, multiple submitters, no conflicts (2 of 4 stars). 4 submissions from 4 submitters: Likely benign (3). 1 of the submissions does not count toward it. Last evaluated 2025-06-12.

Conditions:
Nephronophthisis. Also called: Juvenile Nephronophthisis. Identifiers: Orphanet 655, MedGen C0687120, MONDO:0019005, HP:0000090.
GLIS2-related disorder. Also called: GLIS2-related condition.
Nephronophthisis 7 (NPHP7). Identifiers: Orphanet 655, MedGen C1969092, MONDO:0012680, OMIM 611498.

Allele frequency attached by ClinVar (database versions not stated): ESP Exome Variant Server 0.00062; TOPMed 0.00114; 1000 Genomes Project 0.00200; 1000 Genomes Project 30x 0.00219.
gnomAD v4.1: 308 of 1,592,968 alleles (0.019%); highest among the groups gnomAD compares: African/African-American, 0.38%; 2 homozygotes.

Submissions (4):

Labcorp Genetics (formerly Invitae), Labcorp
Classification: Likely benign for Nephronophthisis. Last evaluated: 2025-06-12. Review status: criteria provided, single submitter. Criteria: Invitae Variant Classification Sherloc (09022015). Collection method: clinical testing. Allele origin: germline.

Illumina Laboratory Services, Illumina
Classification: Likely benign for Nephronophthisis 7. Last evaluated: 2018-01-13. Review status: criteria provided, single submitter. Criteria: ICSL Variant Classification Criteria 13 December 2019. Collection method: clinical testing. Allele origin: germline.
Comment: This variant was observed in the ICSL laboratory as part of a predisposition screen in an ostensibly healthy population. It had not been previously curated by ICSL or reported in the Human Gene Mutation Database (HGMD: prior to June 1st, 2018), and was therefore a candidate for classification through an automated scoring system. Utilizing variant allele frequency, disease prevalence and penetrance estimates, and inheritance mode, an automated score was calculated to assess if this variant is too frequent to cause the disease. Based on the score and internal cut-off values, a variant classified as likely benign is not then subjected to further curation. The score for this variant resulted in a classification of likely benign for this disease.

Breakthrough Genomics
Classification: Likely benign. Review status: criteria provided, single submitter. Criteria: ACMG Guidelines, 2015. Collection method: not provided. Allele origin: germline. Inheritance: Unknown mechanism. Affected: yes.

PreventionGenetics, part of Exact Sciences
Classification: Likely benign for GLIS2-related condition. Last evaluated: 2022-02-13. Review status: no assertion criteria provided. Collection method: clinical testing. Allele origin: germline. Not counted in ClinVar's aggregate classification.
Comment: This variant is classified as likely benign based on ACMG/AMP sequence variant interpretation guidelines (Richards et al. 2015 PMID: 25741868, with internal and published modifications).

NM_032575.3(GLIS2):c.1413C>G (p.Ser471Arg)

Gene: GLIS2 (GLIS family zinc finger 2; plus strand). Cytogenetic location: 16p13.3.
Variant type: single nucleotide variant.
Coding change: c.1413C>G on transcript NM_032575.3 (MANE Select); coding-DNA position 1413, C replaced by G.
Protein change: p.Ser471Arg; replaces serine 471 with arginine.
Molecular consequence: missense variant.
Genome position (GRCh38, 1-based): chr16:4,337,362, C>G. VCF-style: chr16-4337362-C-G. GRCh37 (hg19) VCF-style: chr16-4387363-C-G.
Other names: c.1413C>G, p.Ser471Arg (NM_001318918.2); short protein forms S471R.
Identifiers: ClinVar variation 319223 (VCV000319223.16), dbSNP rs201182025, ClinGen allele CA7873258.
Genomic context (GRCh38, chr16:4,337,362, plus strand): 5'-GCCCACCAGGGCCCTGGGCATGGAGGGCCACAAGACGCCCCTTGAAAGGACGGAGAGCAG[C>G]TGCTCCCGGCCAAGCCCCGATGGACTCCCCCTGCTGCCAGGCACCGTGCTGGACCTGTCC-3'
Protein context (NP_115964.2, residues 461-481): HKTPLERTES[Ser471Arg]CSRPSPDGLP